The following is an entry in ClinVar:

ClinVar aggregate classification (germline): Uncertain significance (1 of 4 stars; one submission).

Conditions:
Baller-Gerold syndrome (BGS). Also called: CRANIOSYNOSTOSIS WITH RADIAL DEFECTS. Identifiers: Orphanet 1225, MedGen C0265308, MONDO:0009039, OMIM 218600.

Allele frequency attached by ClinVar (database versions not stated): gnomAD exomes below 0.00001.
gnomAD v4.1: 3 of 1,612,522 alleles (0.00019%); highest among the groups gnomAD compares: Non-Finnish European, 0.00025%; no homozygotes.

Submission:

Labcorp Genetics (formerly Invitae), Labcorp
Classification: Uncertain significance for Baller-Gerold syndrome. Last evaluated: 2023-03-24. Review status: criteria provided, single submitter. Criteria: Invitae Variant Classification Sherloc (09022015). Collection method: clinical testing. Allele origin: germline.
Comment: This sequence change replaces glutamic acid, which is acidic and polar, with aspartic acid, which is acidic and polar, at codon 1032 of the RECQL4 protein (p.Glu1032Asp). This variant is not present in population databases (gnomAD no frequency). This variant has not been reported in the literature in individuals affected with RECQL4-related conditions. ClinVar contains an entry for this variant (Variation ID: 1481150). Advanced modeling of protein sequence and biophysical properties (such as structural, functional, and spatial information, amino acid conservation, physicochemical variation, residue mobility, and thermodynamic stability) performed at Invitae indicates that this missense variant is not expected to disrupt RECQL4 protein function. In summary, the available evidence is currently insufficient to determine the role of this variant in disease. Therefore, it has been classified as a Variant of Uncertain Significance.

NM_004260.4(RECQL4):c.3096G>C (p.Glu1032Asp)

Gene: RECQL4 (RecQ like helicase 4; minus strand). Cytogenetic location: 8q24.3.
Variant type: single nucleotide variant.
Coding change: c.3096G>C on transcript NM_004260.4 (MANE Select); coding-DNA position 3096, G replaced by C.
Protein change: p.Glu1032Asp; replaces glutamic acid 1032 with aspartic acid.
Molecular consequence: missense variant.
Genome position (GRCh38, 1-based): chr8:144,512,284, C>G on the plus strand (G>C on the coding strand, the complement: RECQL4 is on the minus strand). VCF-style: chr8-144512284-C-G. GRCh37 (hg19) VCF-style: chr8-145737667-C-G.
Other names: short protein forms E1032D.
Identifiers: ClinVar variation 1481150 (VCV001481150.6), dbSNP rs2130660032, ClinGen allele CA372670678.
Genomic context (GRCh38, chr8:144,512,284, plus strand): 5'-ACATATCTGGTCCTTCTCCTCAGCGGTCAAGTCCCCCGGGCTGCGAAGGTGGAAGGCCAG[C>G]TCACTGAACTCCACAAGCACCCCTGTCCCACGCCGCACACCTGCCGGAAAGCATGTCAGA-3'
Protein context (NP_004251.4, residues 1022-1042): RGTGVLVEFS[Glu1032Asp]LAFHLRSPGD